The following is an entry in ClinVar:

NM_001376.5(DYNC1H1):c.6109C>T (p.Arg2037Trp)

Gene: DYNC1H1 (dynein cytoplasmic 1 heavy chain 1; plus strand). Cytogenetic location: 14q32.31.
Variant type: single nucleotide variant.
Coding change: c.6109C>T on transcript NM_001376.5 (MANE Select); coding-DNA position 6109, C replaced by T.
Protein change: p.Arg2037Trp; replaces arginine 2037 with tryptophan.
Molecular consequence: missense variant.
Genome position (GRCh38, 1-based): chr14:102,009,974, C>T. VCF-style: chr14-102009974-C-T. GRCh37 (hg19) VCF-style: chr14-102476311-C-T.
Other names: c.6109C>T (NM_001376.4); short protein forms R2037W.
Identifiers: ClinVar variation 1043391 (VCV001043391.12), dbSNP rs2048239679, ClinGen allele CA391053110.
Genomic context (GRCh38, chr14:102,009,974, plus strand): 5'-ACCATGAACCCTGGCTACGCGGGCCGGTCTAACCTTCCTGACAACTTGAAGAAGCTGTTC[C>T]GGAGCTTGGCCATGACCAAGCCCGACCGGCAGTTAATCGCCCAGGTCATGCTGTACTCAC-3'
Protein context (NP_001367.2, residues 2027-2047): NLPDNLKKLF[Arg2037Trp]SLAMTKPDRQ

ClinVar aggregate classification (germline): Uncertain significance. Review status: criteria provided, multiple submitters, no conflicts (2 of 4 stars). 2 submissions from 2 submitters: Uncertain significance (2). Last evaluated 2026-09-22.

Conditions:
Charcot-Marie-Tooth disease axonal type 2O. Also called: CHARCOT-MARIE-TOOTH NEUROPATHY, AXONAL, TYPE 2O; CHARCOT-MARIE-TOOTH DISEASE, AXONAL, AUTOSOMAL DOMINANT, TYPE 2O; Charcot-Marie-Tooth Neuropathy Type 2O; Charcot-Marie-Tooth disease, axonal, type 20. Identifiers: Orphanet 284232, MedGen C3280220, MONDO:0013644, OMIM 614228.

gnomAD v4.1: 1 of 1,614,088 alleles (0.000062%); highest among the groups gnomAD compares: Non-Finnish European, 0.000085%; no homozygotes.

Submissions (2):

GeneDx
Classification: Uncertain significance. Last evaluated: 2026-09-22. Review status: criteria provided, single submitter. Criteria: GeneDx Variant Classification Process June 2021. Collection method: clinical testing. Allele origin: germline.
Comment: Not observed at significant frequency in large population cohorts (gnomAD); In silico analysis supports that this missense variant has a deleterious effect on protein structure/function; Has not been previously published as pathogenic or benign to our knowledge; This variant is associated with the following publications: (PMID: 25609763, 26100331, 25512093)

Labcorp Genetics (formerly Invitae), Labcorp
Classification: Uncertain significance for Charcot-Marie-Tooth disease axonal type 2O. Last evaluated: 2020-02-04. Review status: criteria provided, single submitter. Criteria: Invitae Variant Classification Sherloc (09022015). Collection method: clinical testing. Allele origin: germline.
Comment: In summary, the available evidence is currently insufficient to determine the role of this variant in disease. Therefore, it has been classified as a Variant of Uncertain Significance. Algorithms developed to predict the effect of missense changes on protein structure and function (SIFT, PolyPhen-2, Align-GVGD) all suggest that this variant is likely to be disruptive, but these predictions have not been confirmed by published functional studies and their clinical significance is uncertain. This variant has not been reported in the literature in individuals with DYNC1H1-related conditions. This variant is not present in population databases (ExAC no frequency). This sequence change replaces arginine with tryptophan at codon 2037 of the DYNC1H1 protein (p.Arg2037Trp). The arginine residue is highly conserved and there is a moderate physicochemical difference between arginine and tryptophan.